The following is an entry in ClinVar:

NM_000540.3(RYR1):c.1968G>T (p.Thr656=)

Gene: RYR1 (ryanodine receptor 1; plus strand). Cytogenetic location: 19q13.2.
Variant type: single nucleotide variant.
Coding change: c.1968G>T on transcript NM_000540.3 (MANE Select); coding-DNA position 1968, G replaced by T.
Protein change: p.Thr656=; no amino-acid change (threonine 656 retained).
Molecular consequence: synonymous variant.
Genome position (GRCh38, 1-based): chr19:38,458,093, G>T. VCF-style: chr19-38458093-G-T. GRCh37 (hg19) VCF-style: chr19-38948733-G-T.
Other names: c.1968G>T, p.Thr656= (NM_001042723.2).
Identifiers: ClinVar variation 3074834 (VCV003074834.2), dbSNP rs779450532, ClinGen allele CA507243625.

ClinVar aggregate classification (germline): Likely benign. Review status: criteria provided, multiple submitters, no conflicts (2 of 4 stars). 2 submissions from 2 submitters: Likely benign (2). Last evaluated 2025-07-05.

Conditions:
Malignant hyperthermia, susceptibility to, 1 (MHS1). Also called: Anesthesia related hyperthermia; Malignant hyperpyrexia; Fulminating hyperpyrexia; Pharmacogenic myopathy; RYR1-Related Malignant Hyperthermia Susceptibility; Malignant hyperthermia suceptibility 1. Identifiers: Orphanet 423, MedGen C2930980, MONDO:0007783, OMIM 145600.
RYR1-related disorder. Also called: RYR1-related condition; RYR1-related disorders. Identifiers: MedGen CN239331.

Submissions (2):

Labcorp Genetics (formerly Invitae), Labcorp
Classification: Likely benign for RYR1-related disorder. Last evaluated: 2025-07-05. Review status: criteria provided, single submitter. Criteria: Invitae Variant Classification Sherloc (09022015). Collection method: clinical testing. Allele origin: germline.

All of Us Research Program, National Institutes of Health
Classification: Likely benign for Malignant hyperthermia, susceptibility to, 1. Last evaluated: 2023-12-13. Review status: criteria provided, single submitter. Criteria: ACMG Guidelines, 2015. Collection method: clinical testing. Allele origin: germline. Inheritance: Autosomal dominant inheritance. Observed: 1 variant allele, 1 heterozygote.
Comment: This study involves interpretation of variants in research participants for the purpose of population health screening. Participant phenotype was not available at the time of variant classification. Additional details can be found in publication PMID: 35346344, PMCID: PMC8962531